The following is an entry in ClinVar:

ClinVar aggregate classification (germline): Likely pathogenic (1 of 4 stars; one submission).

Submission:

Dasa
Classification: Likely pathogenic. Last evaluated: 2026-01-26. Review status: criteria provided, single submitter. Criteria: DASA Assertion Criteria. Collection method: clinical testing. Allele origin: germline.
Comment: NM_005144.5(HR):c.1127del (p.His376Profs*4) is a frameshift variant in HR predicted to alter the reading frame and introduce a premature termination codon and is predicted to result in an absent or altered protein product. Loss of function is an established disease mechanism for HR-associated disorders. Also, this variant is rare in population databases. Based on the currently available evidence, this variant is classified as likely pathogenic.

NM_005144.5(HR):c.1127del (p.His376fs)

Gene: HR (HR lysine demethylase and nuclear receptor corepressor; minus strand). Cytogenetic location: 8p21.3.
Variant type: Deletion.
Coding change: c.1127del on transcript NM_005144.5 (MANE Select); coding-DNA position 1127, one base deleted (A; older notation c.1127delA).
Protein change: p.His376fs; shifts the reading frame from histidine 376.
Molecular consequence: frameshift variant.
Genome position (GRCh38, 1-based): chr8:22,127,315, T deleted on the plus strand (A on the coding strand, the reverse complement: HR is on the minus strand). VCF-style (leftmost placement, unchanged base first): chr8-22127314-GT-G. GRCh37 (hg19) VCF-style: chr8-21984827-GT-G.
Other names: c.1127del, p.His376fs (NM_018411.4); short protein forms H376fs.
Identifiers: ClinVar variation 4886441 (VCV004886441.2).